The following is an entry in ClinVar:

ClinVar aggregate classification (germline): Benign. Review status: criteria provided, single submitter (1 of 4 stars). 2 submissions from 2 submitters: Benign (1). 1 of the submissions does not count toward it. Last evaluated 2025-08-15.

Conditions:
C2CD3-related disorder. Also called: C2CD3-related condition.

Allele frequency attached by ClinVar (database versions not stated): gnomAD 0.00003 and 0.00044; TOPMed 0.00008; 1000 Genomes Project 30x 0.00219; 1000 Genomes Project 0.00220; gnomAD exomes 0.00226; ExAC 0.00744.
gnomAD v4.1: 1,020 of 1,536,192 alleles (0.066%); highest among the groups gnomAD compares: South Asian, 1.1%; 16 homozygotes.

Submissions (2):

Labcorp Genetics (formerly Invitae), Labcorp
Classification: Benign. Last evaluated: 2025-08-15. Review status: criteria provided, single submitter. Criteria: Invitae Variant Classification Sherloc (09022015). Collection method: clinical testing. Allele origin: germline.

PreventionGenetics, part of Exact Sciences
Classification: Benign for C2CD3-related condition. Last evaluated: 2019-12-12. Review status: no assertion criteria provided. Collection method: clinical testing. Allele origin: germline. Not counted in ClinVar's aggregate classification.
Comment: This variant is classified as benign based on ACMG/AMP sequence variant interpretation guidelines (Richards et al. 2015 PMID: 25741868, with internal and published modifications).

NM_001286577.2(C2CD3):c.6711A>T (p.Arg2237Ser)

Gene: C2CD3 (C2 domain containing 3 centriole elongation regulator; minus strand). Cytogenetic location: 11q13.4.
Variant type: single nucleotide variant.
Coding change: c.6711A>T on transcript NM_001286577.2 (MANE Select); coding-DNA position 6711, A replaced by T.
Protein change: p.Arg2237Ser; replaces arginine 2237 with serine.
Molecular consequence: missense variant.
Genome position (GRCh38, 1-based): chr11:74,033,449, T>A on the plus strand (A>T on the coding strand, the complement: C2CD3 is on the minus strand). VCF-style: chr11-74033449-T-A. GRCh37 (hg19) VCF-style: chr11-73744494-T-A.
Other names: c.6711A>T (NM_001286577.1); short protein forms R2237S.
Identifiers: ClinVar variation 795134 (VCV000795134.12), dbSNP rs371343891, ClinGen allele CA6181704.